The following is an entry in ClinVar:

ClinVar aggregate classification (germline): Likely benign (0 of 4 stars; one submission).

Conditions:
PARD3-related disorder. Also called: PARD3-related condition.

Allele frequency attached by ClinVar (database versions not stated): ExAC 0.00014; ESP Exome Variant Server 0.00015; gnomAD 0.00020; TOPMed 0.00022.
gnomAD v4.1: 538 of 1,611,110 alleles (0.033%); highest among the groups gnomAD compares: Non-Finnish European, 0.043%; no homozygotes.

Submission:

PreventionGenetics, part of Exact Sciences
Classification: Likely benign for PARD3-related condition. Last evaluated: 2019-08-26. Review status: no assertion criteria provided. Collection method: clinical testing. Allele origin: germline.
Comment: This variant is classified as likely benign based on ACMG/AMP sequence variant interpretation guidelines (Richards et al. 2015 PMID: 25741868, with internal and published modifications).

NM_001184785.2(PARD3):c.2868G>A (p.Gly956=)

Gene: PARD3 (par-3 family cell polarity regulator; minus strand). Cytogenetic location: 10p11.21.
Variant type: single nucleotide variant.
Coding change: c.2868G>A on transcript NM_001184785.2 (MANE Select); coding-DNA position 2868, G replaced by A.
Protein change: p.Gly956=; no amino-acid change (glycine 956 retained).
Molecular consequence: synonymous variant.
Genome position (GRCh38, 1-based): chr10:34,317,304, C>T on the plus strand (G>A on the coding strand, the complement: PARD3 is on the minus strand). VCF-style: chr10-34317304-C-T. GRCh37 (hg19) VCF-style: chr10-34606232-C-T.
Other names: c.2829G>A, p.Gly943= (NM_001184786.2); c.2877G>A, p.Gly959= (NM_001184787.2, NM_019619.4); c.2739G>A, p.Gly913= (NM_001184788.2, NM_001184789.2, NM_001184794.2); c.2607G>A, p.Gly869= (NM_001184790.2); c.2652G>A, p.Gly884= (NM_001184791.2); c.2868G>A, p.Gly956= (NM_001184792.2); c.2775G>A, p.Gly925= (NM_001184793.2).
Identifiers: ClinVar variation 3053733 (VCV003053733.2), dbSNP rs377290036, ClinGen allele CA5467466.